The following is an entry in ClinVar:

ClinVar aggregate classification (germline): Pathogenic/Likely pathogenic. Review status: criteria provided, multiple submitters, no conflicts (2 of 4 stars). 2 submissions from 2 submitters: Pathogenic (1); Likely pathogenic (1). Last evaluated 2025-12-01.

Conditions:
Peroxisome biogenesis disorder 4A (Zellweger) (PBD4A). Also called: Zellweger syndrome spectrum (PEX6-related). Identifiers: Orphanet 912, MedGen C3553936, MONDO:0013930, OMIM 614862. Disease mechanism: loss of function.

Submissions (2):

CeGaT Center for Human Genetics Tuebingen
Classification: Pathogenic. Last evaluated: 2025-12-01. Review status: criteria provided, single submitter. Criteria: CeGaT Center For Human Genetics Tuebingen Variant Classification Criteria Version 2. Collection method: clinical testing. Allele origin: germline. Affected: yes. Observed: 1 variant allele.
Comment: PEX6: PM3:Strong, PM1, PM2, PM4

Centre for Mendelian Genomics, University Medical Centre Ljubljana
Classification: Likely pathogenic for Peroxisome biogenesis disorder 4A (Zellweger). Last evaluated: 2016-01-01. Review status: criteria provided, single submitter. Criteria: ACMG Guidelines, 2015. Collection method: clinical testing. Allele origin: unknown. Affected: yes.
Comment: This variant was classified as: Likely pathogenic. The following ACMG criteria were applied in classifying this variant: PM2,PM4,PP3,PP4.

NM_000287.4(PEX6):c.160_243del (p.Val54_Leu81del)

Gene: PEX6 (peroxisomal biogenesis factor 6; minus strand). Cytogenetic location: 6p21.1.
Variant type: Deletion.
Coding change: c.160_243del on transcript NM_000287.4 (MANE Select); coding-DNA positions 160 to 243, 84 bases deleted.
Protein change: p.Val54_Leu81del.
Molecular consequence: inframe deletion. On other transcripts: non-coding transcript variant (1).
Genome position (GRCh38, 1-based): chr6:42,978,908-42,978,991, 84 bases deleted. GRCh37 (hg19): chr6:42,946,655-42,946,738.
Other names: c.160_243del, p.Val54_Leu81del (NM_001316313.2).
Identifiers: ClinVar variation 931050 (VCV000931050.8), dbSNP rs1770436260, ClinGen allele CA1139659535.